The following is an entry in ClinVar:

NM_006035.4(CDC42BPB):c.1439A>G (p.Asn480Ser)

Gene: CDC42BPB (CDC42 binding protein kinase beta; minus strand). Cytogenetic location: 14q32.32.
Variant type: single nucleotide variant.
Coding change: c.1439A>G on transcript NM_006035.4 (MANE Select); coding-DNA position 1439, A replaced by G.
Protein change: p.Asn480Ser; replaces asparagine 480 with serine.
Molecular consequence: missense variant.
Genome position (GRCh38, 1-based): chr14:102,975,752, T>C on the plus strand (A>G on the coding strand, the complement: CDC42BPB is on the minus strand). VCF-style: chr14-102975752-T-C. GRCh37 (hg19) VCF-style: chr14-103442089-T-C.
Other names: c.1439A>G, p.Asn480Ser (NM_001411054.1); short protein forms N480S.
Identifiers: ClinVar variation 4873667 (VCV004873667.2).

ClinVar aggregate classification (germline): Likely benign (1 of 4 stars; one submission).

gnomAD v4.1: 31 of 1,614,066 alleles (0.0019%); highest among the groups gnomAD compares: Admixed American, 0.02%; 1 homozygote.

Submission:

CeGaT Center for Human Genetics Tuebingen
Classification: Likely benign. Last evaluated: 2026-04-01. Review status: criteria provided, single submitter. Criteria: CeGaT Center For Human Genetics Tuebingen Variant Classification Criteria Version 2. Collection method: clinical testing. Allele origin: germline. Affected: yes. Observed: 1 variant allele.
Comment: CDC42BPB: BP4